The following is an entry in ClinVar:

ClinVar aggregate classification (germline): Uncertain significance. Review status: criteria provided, single submitter (1 of 4 stars). 2 submissions from 2 submitters: Uncertain significance (1). 1 of the submissions does not count toward it. Last evaluated 2024-12-02.

Conditions:
Bardet-Biedl syndrome (BBS). Identifiers: Orphanet 110, MedGen C0752166, MONDO:0015229.
WDPCP-related disorder. Also called: WDPCP-related condition.

Allele frequency attached by ClinVar (database versions not stated): TOPMed below 0.00001; ExAC 0.00001; gnomAD 0.00001; gnomAD exomes 0.00001.
gnomAD v4.1: 4 of 1,612,298 alleles (0.00025%); highest among the groups gnomAD compares: Admixed American, 0.0017%; no homozygotes.

Submissions (2):

Labcorp Genetics (formerly Invitae), Labcorp
Classification: Uncertain significance for Bardet-Biedl syndrome. Last evaluated: 2024-12-02. Review status: criteria provided, single submitter. Criteria: Invitae Variant Classification Sherloc (09022015). Collection method: clinical testing. Allele origin: germline.
Comment: This sequence change replaces tryptophan, which is neutral and slightly polar, with cysteine, which is neutral and slightly polar, at codon 90 of the WDPCP protein (p.Trp90Cys). This variant is present in population databases (rs758930140, gnomAD 0.003%). This variant has not been reported in the literature in individuals affected with WDPCP-related conditions. ClinVar contains an entry for this variant (Variation ID: 1345539). Invitae Evidence Modeling of protein sequence and biophysical properties (such as structural, functional, and spatial information, amino acid conservation, physicochemical variation, residue mobility, and thermodynamic stability) has been performed for this missense variant. However, the output from this modeling did not meet the statistical confidence thresholds required to predict the impact of this variant on WDPCP protein function. In summary, the available evidence is currently insufficient to determine the role of this variant in disease. Therefore, it has been classified as a Variant of Uncertain Significance.

PreventionGenetics, part of Exact Sciences
Classification: Uncertain significance for WDPCP-related condition. Last evaluated: 2024-06-27. Review status: no assertion criteria provided. Collection method: clinical testing. Allele origin: germline. Not counted in ClinVar's aggregate classification.
Comment: The WDPCP c.270G>T variant is predicted to result in the amino acid substitution p.Trp90Cys. To our knowledge, this variant has not been reported in the literature. This variant is reported in 0.0029% of alleles in individuals of Latino descent in gnomAD. At this time, the clinical significance of this variant is uncertain due to the absence of conclusive functional and genetic evidence.

NM_015910.7(WDPCP):c.270G>T (p.Trp90Cys)

Gene: WDPCP (WD repeat containing planar cell polarity effector; minus strand). Cytogenetic location: 2p15.
Variant type: single nucleotide variant.
Coding change: c.270G>T on transcript NM_015910.7 (MANE Select); coding-DNA position 270, G replaced by T.
Protein change: p.Trp90Cys; replaces tryptophan 90 with cysteine.
Molecular consequence: missense variant. On other transcripts: non-coding transcript variant (2).
Genome position (GRCh38, 1-based): chr2:63,484,971, C>A on the plus strand (G>T on the coding strand, the complement: WDPCP is on the minus strand). VCF-style: chr2-63484971-C-A. GRCh37 (hg19) VCF-style: chr2-63712105-C-A.
Other names: c.270G>T (NM_015910.5); c.198G>T, p.Trp66Cys (NM_001354044.2); c.270G>T, p.Trp90Cys (NM_001354045.2); short protein forms W90C, W66C.
Identifiers: ClinVar variation 1345539 (VCV001345539.5), dbSNP rs758930140, ClinGen allele CA1682542.